The following is an entry in ClinVar:

ClinVar aggregate classification (germline): Uncertain significance. Review status: criteria provided, multiple submitters, no conflicts (2 of 4 stars). 3 submissions from 3 submitters: Uncertain significance (3). Last evaluated 2023-03-26.

Conditions:
Inborn genetic diseases. Identifiers: MedGen C0950123, MeSH D030342.
Developmental and epileptic encephalopathy, 30 (DEE30). Also called: Epileptic encephalopathy, early infantile, 30. Identifiers: MedGen C4225360, MONDO:0014595, OMIM 616341.

Allele frequency attached by ClinVar (database versions not stated): ExAC 0.00001; gnomAD exomes 0.00001.

Submissions (3):

GeneDx
Classification: Uncertain significance. Last evaluated: 2023-03-26. Review status: criteria provided, single submitter. Criteria: GeneDx Variant Classification Process June 2021. Collection method: clinical testing. Allele origin: germline. Affected: yes.
Comment: In silico analysis supports that this missense variant has a deleterious effect on protein structure/function; Has not been previously published as pathogenic or benign to our knowledge

Labcorp Genetics (formerly Invitae), Labcorp
Classification: Uncertain significance for Developmental and epileptic encephalopathy, 30. Last evaluated: 2022-05-15. Review status: criteria provided, single submitter. Criteria: Invitae Variant Classification Sherloc (09022015). Collection method: clinical testing. Allele origin: germline.
Comment: This sequence change replaces glycine, which is neutral and non-polar, with glutamic acid, which is acidic and polar, at codon 502 of the SIK1 protein (p.Gly502Glu). This variant is present in population databases (rs763399015, gnomAD 0.008%). This variant has not been reported in the literature in individuals affected with SIK1-related conditions. ClinVar contains an entry for this variant (Variation ID: 955324). Advanced modeling of protein sequence and biophysical properties (such as structural, functional, and spatial information, amino acid conservation, physicochemical variation, residue mobility, and thermodynamic stability) performed at Invitae indicates that this missense variant is not expected to disrupt SIK1 protein function. In summary, the available evidence is currently insufficient to determine the role of this variant in disease. Therefore, it has been classified as a Variant of Uncertain Significance.

Ambry Genetics
Classification: Uncertain significance for Inborn genetic diseases. Last evaluated: 2020-01-29. Review status: criteria provided, single submitter. Criteria: Ambry Variant Classification Scheme 2023. Collection method: clinical testing. Allele origin: germline.
Comment: The p.G502E variant (also known as c.1505G>A), located in coding exon 11 of the SIK1 gene, results from a G to A substitution at nucleotide position 1505. The glycine at codon 502 is replaced by glutamic acid, an amino acid with similar properties. This amino acid position is highly conserved in available vertebrate species. In addition, the in silico prediction for this alteration is inconclusive. Since supporting evidence is limited at this time, the clinical significance of this alteration remains unclear.

NM_173354.5(SIK1):c.1505G>A (p.Gly502Glu)

Gene: SIK1 (salt inducible kinase 1; minus strand). Cytogenetic location: 21q22.3.
Variant type: single nucleotide variant.
Coding change: c.1505G>A on transcript NM_173354.5 (MANE Select); coding-DNA position 1505, G replaced by A.
Protein change: p.Gly502Glu; replaces glycine 502 with glutamic acid.
Molecular consequence: missense variant.
Genome position (GRCh38, 1-based): chr21:43,418,499, C>T on the plus strand (G>A on the coding strand, the complement: SIK1 is on the minus strand). VCF-style: chr21-43418499-C-T. GRCh37 (hg19) VCF-style: chr21-44838379-C-T.
Other names: short protein forms G502E.
Identifiers: ClinVar variation 955324 (VCV000955324.11), dbSNP rs763399015, ClinGen allele CA321325501.
Genomic context (GRCh38, chr21:43,418,499, plus strand): 5'-CCACTGAGCCCCGCGGGGCTTTTGCTCGCAGAGAAGGTCAGACAACTGTCAGAGCTGGTT[C>T]CCTCTGCAGGACTTGCCGTGGTGGAGGGGGAGACGACTATACCTGTGGGGGGAGGACAGC-3'
Protein context (NP_775490.2, residues 492-512): SPSTTASPAE[Gly502Glu]TSSDSCLTFS